The following is an entry in ClinVar:

ClinVar aggregate classification (germline): Uncertain significance (1 of 4 stars; one submission).

Submission:

Ambry Genetics
Classification: Uncertain significance. Last evaluated: 2021-07-18. Review status: criteria provided, single submitter. Criteria: Ambry Variant Classification Scheme 2023. Collection method: clinical testing. Allele origin: germline.
Comment: The p.V212L variant (also known as c.634G>C), located in coding exon 4 of the MNDA gene, results from a G to C substitution at nucleotide position 634. The valine at codon 212 is replaced by leucine, an amino acid with highly similar properties. This amino acid position is conserved. In addition, this alteration is predicted to be tolerated by in silico analysis. Since supporting evidence is limited at this time, the clinical significance of this alteration remains unclear.

NM_002432.3(MNDA):c.634G>C (p.Val212Leu)

Gene: MNDA (myeloid cell nuclear differentiation antigen; plus strand). Cytogenetic location: 1q23.1.
Variant type: single nucleotide variant.
Coding change: c.634G>C on transcript NM_002432.3 (MANE Select); coding-DNA position 634, G replaced by C.
Protein change: p.Val212Leu; replaces valine 212 with leucine.
Molecular consequence: missense variant.
Genome position (GRCh38, 1-based): chr1:158,845,650, G>C. VCF-style: chr1-158845650-G-C. GRCh37 (hg19) VCF-style: chr1-158815440-G-C.
Other names: short protein forms V212L.
Identifiers: ClinVar variation 1752999 (VCV001752999.2), dbSNP rs2102051785, ClinGen allele CA343040860.